The following is an entry in ClinVar:

ClinVar aggregate classification (germline): Pathogenic. Review status: criteria provided, multiple submitters, no conflicts (2 of 4 stars). 2 submissions from 2 submitters: Pathogenic (2). Last evaluated 2026-06-17.

Conditions:
Rubinstein-Taybi syndrome (RSTS). Identifiers: Orphanet 783, MedGen C0035934, MONDO:0019188.
CREBBP-related disorder. Also called: CREBBP-related disorders; CREBBP-related condition.

Submissions (2):

PreventionGenetics, part of Exact Sciences
Classification: Pathogenic for CREBBP-related condition. Last evaluated: 2026-06-17. Review status: criteria provided, single submitter. Criteria: ACMG Guidelines, 2015. Collection method: clinical testing. Allele origin: germline.
Comment: The CREBBP c.3369+1G>A variant is predicted to disrupt the GT donor site and interfere with normal splicing. This variant was reported in an individual with Rubinstein-Taybi syndrome (Rudy et al. 2025. PubMed ID: 40613735). This variant has not been reported in a large population database (gnomAD), indicating this variant is rare. Variants that disrupt the consensus splice donor site in CREBBP are expected to be pathogenic. This variant is interpreted as pathogenic.

Labcorp Genetics (formerly Invitae), Labcorp
Classification: Pathogenic for Rubinstein-Taybi syndrome. Last evaluated: 2019-01-09. Review status: criteria provided, single submitter. Criteria: Invitae Variant Classification Sherloc (09022015). Collection method: clinical testing. Allele origin: germline.
Comment: Donor and acceptor splice site variants typically lead to a loss of protein function (PMID: 16199547), and loss-of-function variants in CREBBP are known to be pathogenic (PMID: 17052327, 18792986). Algorithms developed to predict the effect of sequence changes on RNA splicing suggest that this variant may disrupt the consensus splice site, but this prediction has not been confirmed by published transcriptional studies. For these reasons, this variant has been classified as Pathogenic. This variant is not present in population databases (ExAC no frequency). This sequence change affects a donor splice site in intron 17 of the CREBBP gene. It is expected to disrupt RNA splicing and likely results in an absent or disrupted protein product.

Literature cited by the submitters: PubMed 16199547 (cited by Labcorp Genetics (formerly Invitae), Labcorp); PubMed 17052327 (cited by Labcorp Genetics (formerly Invitae), Labcorp); PubMed 18792986 (cited by Labcorp Genetics (formerly Invitae), Labcorp).

NM_004380.3(CREBBP):c.3369+1G>A

Gene: CREBBP (CREB binding lysine acetyltransferase; minus strand). Cytogenetic location: 16p13.3.
Variant type: single nucleotide variant.
Coding change: c.3369+1G>A on transcript NM_004380.3 (MANE Select); the canonical splice donor site of the intron after coding-DNA position 3369, G replaced by A.
Molecular consequence: splice donor variant.
Genome position (GRCh38, 1-based): chr16:3,758,853, C>T on the plus strand (G>A on the coding strand, the complement: CREBBP is on the minus strand). VCF-style: chr16-3758853-C-T. GRCh37 (hg19) VCF-style: chr16-3808854-C-T.
Other names: c.3255+1G>A (NM_001079846.1).
Identifiers: ClinVar variation 664200 (VCV000664200.12), dbSNP rs587783480, ClinGen allele CA394569418.